The following is an entry in ClinVar:

NM_000548.5(TSC2):c.4849+4C>T

Gene: TSC2 (TSC complex subunit 2; plus strand). Cytogenetic location: 16p13.3.
Variant type: single nucleotide variant.
Coding change: c.4849+4C>T on transcript NM_000548.5 (MANE Select); 4 bases into the intron after coding-DNA position 4849, C replaced by T.
Molecular consequence: intron variant.
Genome position (GRCh38, 1-based): chr16:2,086,383, C>T. VCF-style: chr16-2086383-C-T. GRCh37 (hg19) VCF-style: chr16-2136384-C-T.
Other names: c.4849+4C>T (NM_000548.4); c.4780+4C>T (NM_001114382.3); c.4720+4C>T (NM_021055.3, NM_001370405.1); c.4651+4C>T (NM_001363528.2); c.4717+4C>T (NM_001370404.1); c.4648+4C>T (NM_001077183.3); c.4540+4C>T (NM_001318827.2); c.4117+4C>T (NM_001318831.2); and 2 more.
Identifiers: ClinVar variation 238065 (VCV000238065.49), dbSNP rs370426490, ClinGen allele CA052811.

ClinVar aggregate classification (germline): Benign/Likely benign. Review status: criteria provided, multiple submitters, no conflicts (2 of 4 stars). 10 submissions from 10 submitters: Benign (3); Likely benign (7). Last evaluated 2026-02-01.

Conditions:
TSC2-related disorder. Also called: TSC2-Related Disorders; TSC2-related condition.
Hereditary cancer-predisposing syndrome. Also called: Tumor predisposition; Hereditary Cancer Syndrome; Neoplastic Syndromes, Hereditary; Hereditary neoplastic syndrome. Identifiers: Orphanet 140162, MedGen C0027672, MeSH D009386, MONDO:0015356.
Tuberous sclerosis syndrome (TSC). Also called: Tuberous Sclerosis Complex; Tuberous sclerosis. Identifiers: Orphanet 805, MedGen C0041341, MONDO:0001734.
Tuberous sclerosis 2 (TSC2). Identifiers: Orphanet 805, MedGen C1860707, MONDO:0013199, OMIM 613254.

Allele frequency attached by ClinVar (database versions not stated): gnomAD 0.00003; gnomAD exomes 0.00005; TOPMed 0.00005; ExAC 0.00006; ESP Exome Variant Server 0.00008; 1000 Genomes Project 30x 0.00016; 1000 Genomes Project 0.00020.
gnomAD v4.1: 53 of 1,611,826 alleles (0.0033%); highest among the groups gnomAD compares: Middle Eastern, 0.033%; no homozygotes.

Submissions (10):

Labcorp Genetics (formerly Invitae), Labcorp
Classification: Benign for Tuberous sclerosis 2. Last evaluated: 2026-02-01. Review status: criteria provided, single submitter. Criteria: Invitae Variant Classification Sherloc (09022015). Collection method: clinical testing. Allele origin: germline.

PreventionGenetics, part of Exact Sciences
Classification: Likely benign for TSC2-related condition. Last evaluated: 2025-10-30. Review status: criteria provided, single submitter. Criteria: ACMG Guidelines, 2015. Collection method: clinical testing. Allele origin: germline.
Comment: This variant is classified as likely benign based on ACMG/AMP sequence variant interpretation guidelines (Richards et al. 2015 PMID: 25741868, with internal and published modifications).

Myriad Genetics, Inc.
Classification: Likely benign for Tuberous sclerosis 2. Last evaluated: 2025-06-06. Review status: criteria provided, single submitter. Criteria: Myriad Autosomal Dominant, Autosomal Recessive and X-Linked Classification Criteria (2023). Collection method: clinical testing. Allele origin: unknown.
Comment: This variant is considered likely benign. This variant is intronic and is not expected to impact mRNA splicing. This variant has been observed at a population frequency that is significantly greater than expected given the associated disease prevalence and penetrance.

Color Diagnostics, LLC DBA Color Health
Classification: Likely benign for Tuberous sclerosis syndrome. Last evaluated: 2024-01-30. Review status: criteria provided, single submitter. Criteria: ACMG Guidelines, 2015. Collection method: clinical testing. Allele origin: germline.

Quest Diagnostics Nichols Institute San Juan Capistrano
Classification: Benign. Last evaluated: 2022-10-07. Review status: criteria provided, single submitter. Criteria: Quest Diagnostics criteria. Collection method: clinical testing. Allele origin: unknown.
Comment: The frequency of this variant in the general population is higher than would generally be expected for pathogenic variants in this gene. Computational tools yielded predictions that this variant is unlikely to have an effect on normal RNA splicing. This nucleotide position exhibits low evolutionary conservation. This variant has been seen where an alternate explanation for disease was also identified.

CeGaT Center for Human Genetics Tuebingen
Classification: Likely benign. Last evaluated: 2022-04-01. Review status: criteria provided, single submitter. Criteria: CeGaT Center For Human Genetics Tuebingen Variant Classification Criteria Version 2. Collection method: clinical testing. Allele origin: germline. Affected: yes. Observed: 1 variant allele.
Comment: TSC2: BP4

Sema4
Classification: Likely benign for Hereditary cancer-predisposing syndrome. Last evaluated: 2022-03-10. Review status: criteria provided, single submitter. Criteria: Sema4 Curation Guidelines. Collection method: curation. Allele origin: germline.

Genome-Nilou Lab
Classification: Benign for Tuberous sclerosis 2. Last evaluated: 2021-11-07. Review status: criteria provided, single submitter. Criteria: ACMG Guidelines, 2015. Collection method: clinical testing. Allele origin: germline. Affected: no.

GeneDx
Classification: Likely benign. Last evaluated: 2020-10-26. Review status: criteria provided, single submitter. Criteria: GeneDx Variant Classification Process June 2021. Collection method: clinical testing. Allele origin: germline. Affected: yes.
Comment: This variant is associated with the following publications: (PMID: 28643795)

Ambry Genetics
Classification: Likely benign for Hereditary cancer-predisposing syndrome. Last evaluated: 2019-02-06. Review status: criteria provided, single submitter. Criteria: Ambry Variant Classification Scheme 2023. Collection method: clinical testing. Allele origin: germline.